The following is an entry in ClinVar:

NM_000426.4(LAMA2):c.8276T>C (p.Leu2759Pro)

Genes: LAMA2 (laminin subunit alpha 2; plus strand), LOC126859784 (CDK7 strongly-dependent group 2 enhancer GRCh37_chr6:129822854-129824053; plus strand). Cytogenetic location: 6q22.33.
Variant type: single nucleotide variant.
Coding change: c.8276T>C on transcript NM_000426.4 (MANE Select); coding-DNA position 8276, T replaced by C.
Protein change: p.Leu2759Pro; replaces leucine 2759 with proline.
Molecular consequence: missense variant.
Genome position (GRCh38, 1-based): chr6:129,502,690, T>C. VCF-style: chr6-129502690-T-C. GRCh37 (hg19) VCF-style: chr6-129823835-T-C.
Other names: p.Leu2759Pro; c.8264T>C, p.Leu2755Pro (NM_001079823.2); short protein forms L2755P, L2759P.
Identifiers: ClinVar variation 2682954 (VCV002682954.1), dbSNP rs201290833, ClinGen allele CA365633685.
Genomic context (GRCh38, chr6:129,502,690, plus strand): 5'-CCTGTTTTTCTCTCCTGGGTATTTTACAGGGTCCTTGTGCTGCAGAATCAGAACCAGCTC[T>C]TTTGATAGGGAGCAAGCAGTTCGGGCTTTCAAGAAACAGTCACATTGCAATTGCATTTGA-3'
Protein context (NP_000417.3, residues 2749-2769): GPCAAESEPA[Leu2759Pro]LIGSKQFGLS

ClinVar aggregate classification (germline): Uncertain significance (1 of 4 stars; one submission).

gnomAD v4.1: 1 of 1,613,994 alleles (0.000062%); highest among the groups gnomAD compares: Non-Finnish European, 0.000085%; no homozygotes.

Submission:

Mayo Clinic Laboratories, Mayo Clinic
Classification: Uncertain significance. Last evaluated: 2023-06-22. Review status: criteria provided, single submitter. Criteria: ACMG Guidelines, 2015. Collection method: clinical testing. Allele origin: germline. Observed: 1 variant allele.
Comment: BP4, PM2